The following is an entry in ClinVar:

NM_005560.6(LAMA5):c.3722C>T (p.Pro1241Leu)

Gene: LAMA5 (laminin subunit alpha 5; minus strand). Cytogenetic location: 20q13.33.
Variant type: single nucleotide variant.
Coding change: c.3722C>T on transcript NM_005560.6 (MANE Select); coding-DNA position 3722, C replaced by T.
Protein change: p.Pro1241Leu; replaces proline 1241 with leucine.
Molecular consequence: missense variant.
Genome position (GRCh38, 1-based): chr20:62,330,873, G>A on the plus strand (C>T on the coding strand, the complement: LAMA5 is on the minus strand). VCF-style: chr20-62330873-G-A. GRCh37 (hg19) VCF-style: chr20-60905929-G-A.
Other names: short protein forms P1241L.
Identifiers: ClinVar variation 1429212 (VCV001429212.6), dbSNP rs1980254896, ClinGen allele CA409567352.
Genomic context (GRCh38, chr20:62,330,873, plus strand): 5'-GCTGGGGACATGGCTGGAGTGAGATCCTGCGCGTGGGTCAGCGGGAGGCCGGGCGGCAGC[G>A]GGATCACCTGGCAGTCCCTGAGGATGATGGGCTGGGGCGGCTTTGGGAAGCGCGAGGGCA-3'
Protein context (NP_005551.3, residues 1231-1251): PIILRDCQVI[Pro1241Leu]LPPGLPLTHA

ClinVar aggregate classification (germline): Uncertain significance (1 of 4 stars; one submission).

Allele frequency attached by ClinVar (database versions not stated): TOPMed 0.00001.
gnomAD v4.1: 6 of 1,541,446 alleles (0.00039%); highest among the groups gnomAD compares: African/African-American, 0.0014%; no homozygotes.

Submission:

Labcorp Genetics (formerly Invitae), Labcorp
Classification: Uncertain significance. Last evaluated: 2025-03-10. Review status: criteria provided, single submitter. Criteria: Invitae Variant Classification Sherloc (09022015). Collection method: clinical testing. Allele origin: germline.
Comment: This sequence change replaces proline, which is neutral and non-polar, with leucine, which is neutral and non-polar, at codon 1241 of the LAMA5 protein (p.Pro1241Leu). This variant is not present in population databases (gnomAD no frequency). This variant has not been reported in the literature in individuals affected with LAMA5-related conditions. ClinVar contains an entry for this variant (Variation ID: 1429212). An algorithm developed to predict the effect of missense changes on protein structure and function (PolyPhen-2) suggests that this variant is likely to be tolerated. In summary, the available evidence is currently insufficient to determine the role of this variant in disease. Therefore, it has been classified as a Variant of Uncertain Significance.